The following is an entry in ClinVar:

ClinVar aggregate classification (germline): Conflicting classifications of pathogenicity. Review status: criteria provided, conflicting classifications (1 of 4 stars). 5 submissions from 5 submitters: Uncertain significance (4); Likely benign (1). Last evaluated 2024-12-13.

Conditions:
Inborn genetic diseases. Identifiers: MedGen C0950123, MeSH D030342.
Muscular dystrophy-dystroglycanopathy (congenital with brain and eye anomalies), type A2. Also called: WALKER-WARBURG SYNDROME OR MUSCLE-EYE-BRAIN DISEASE, POMT2-RELATED; MUSCULAR DYSTROPHY-DYSTROGLYCANOPATHY (CONGENITAL WITH BRAIN AND EYE ANOMALIES), TYPE A, 2. Identifiers: Orphanet 588, Orphanet 899, MedGen C3150411, MONDO:0013154, OMIM 613150.
Muscular dystrophy-dystroglycanopathy (congenital with impaired intellectual development), type B, 2. Also called: Muscular dystrophy-dystroglycanopathy (congenital with intellectual disability), type B2; MUSCULAR DYSTROPHY, CONGENITAL, POMT2-RELATED. Identifiers: MedGen C3150416, MONDO:0013160, OMIM 613156.
Autosomal recessive limb-girdle muscular dystrophy type 2N. Also called: MUSCULAR DYSTROPHY-DYSTROGLYCANOPATHY, LIMB-GIRDLE, POMT2-RELATED; Muscular dystrophy-dystroglycanopathy (limb-girdle), type C, 2. Identifiers: Orphanet 206559, MedGen C3150418, MONDO:0013162, OMIM 613158.

Allele frequency attached by ClinVar (database versions not stated): gnomAD exomes 0.00011 and 0.00006; ESP Exome Variant Server 0.00008; TOPMed 0.00003; gnomAD 0.00005 and 0.00006; ExAC 0.00006.
gnomAD v4.1: 173 of 1,613,654 alleles (0.011%); highest among the groups gnomAD compares: Middle Eastern, 0.12%; no homozygotes.

Submissions (5):

Revvity Omics, Revvity
Classification: Uncertain significance. Last evaluated: 2024-12-13. Review status: criteria provided, single submitter. Criteria: ACMG Guidelines, 2015. Collection method: clinical testing. Allele origin: germline.

GeneDx
Classification: Uncertain significance. Last evaluated: 2023-02-14. Review status: criteria provided, single submitter. Criteria: GeneDx Variant Classification Process June 2021. Collection method: clinical testing. Allele origin: germline. Affected: yes.
Comment: Has not been previously published as pathogenic or benign to our knowledge; In silico analysis supports that this missense variant does not alter protein structure/function

Labcorp Genetics (formerly Invitae), Labcorp
Classification: Uncertain significance for Muscular dystrophy-dystroglycanopathy (congenital with impaired intellectual development), type B, 2; Muscular dystrophy-dystroglycanopathy (congenital with brain and eye anomalies), type A2; Autosomal recessive limb-girdle muscular dystrophy type 2N. Last evaluated: 2022-08-09. Review status: criteria provided, single submitter. Criteria: Invitae Variant Classification Sherloc (09022015). Collection method: clinical testing. Allele origin: germline.
Comment: This sequence change replaces arginine, which is basic and polar, with glutamine, which is neutral and polar, at codon 624 of the POMT2 protein (p.Arg624Gln). This variant is present in population databases (rs369365744, gnomAD 0.02%). This variant has not been reported in the literature in individuals affected with POMT2-related conditions. ClinVar contains an entry for this variant (Variation ID: 284970). Algorithms developed to predict the effect of missense changes on protein structure and function output the following: SIFT: "Tolerated"; PolyPhen-2: "Benign"; Align-GVGD: "Class C0". The glutamine amino acid residue is found in multiple mammalian species, which suggests that this missense change does not adversely affect protein function. In summary, the available evidence is currently insufficient to determine the role of this variant in disease. Therefore, it has been classified as a Variant of Uncertain Significance.

Ambry Genetics
Classification: Likely benign for Inborn genetic diseases. Last evaluated: 2021-09-16. Review status: criteria provided, single submitter. Criteria: Ambry Variant Classification Scheme 2023. Collection method: clinical testing. Allele origin: germline.

Eurofins Ntd Llc (ga)
Classification: Uncertain significance. Last evaluated: 2016-11-28. Review status: criteria provided, single submitter. Criteria: EGL Classification Definitions 2015. Collection method: clinical testing. Allele origin: germline. Observed: 3 variant alleles, 3 heterozygotes.

NM_013382.7(POMT2):c.1871G>A (p.Arg624Gln)

Gene: POMT2 (protein O-mannosyltransferase 2; minus strand). Cytogenetic location: 14q24.3.
Variant type: single nucleotide variant.
Coding change: c.1871G>A on transcript NM_013382.7 (MANE Select); coding-DNA position 1871, G replaced by A.
Protein change: p.Arg624Gln; replaces arginine 624 with glutamine.
Molecular consequence: missense variant.
Genome position (GRCh38, 1-based): chr14:77,279,843, C>T on the plus strand (G>A on the coding strand, the complement: POMT2 is on the minus strand). VCF-style: chr14-77279843-C-T. GRCh37 (hg19) VCF-style: chr14-77746186-C-T.
Other names: short protein forms R624Q.
Identifiers: ClinVar variation 284970 (VCV000284970.12), dbSNP rs369365744, ClinGen allele CA7285668.